The following is an entry in ClinVar:

ClinVar aggregate classification (germline): Likely pathogenic (1 of 4 stars; one submission).

Conditions:
Charcot-Marie-Tooth disease type 4B2. Also called: Charcot-Marie-Tooth Neuropathy Type 4B2; CHARCOT-MARIE-TOOTH DISEASE, DEMYELINATING, TYPE 4B2; CHARCOT-MARIE-TOOTH DISEASE, WITH FOCALLY FOLDED MYELIN SHEATHS, AUTOSOMAL RECESSIVE, TYPE 4B2; CMT 4B2. Identifiers: Orphanet 99956, MedGen C1858278, MONDO:0011475, OMIM 604563.

Submission:

Centre for Mendelian Genomics, University Medical Centre Ljubljana
Classification: Likely pathogenic for Charcot-Marie-Tooth disease type 4B2. Last evaluated: 2020-02-10. Review status: criteria provided, single submitter. Criteria: ACMG Guidelines, 2015. Collection method: clinical testing. Allele origin: unknown. Affected: yes.
Comment: This variant was classified as: Likely pathogenic. The following ACMG criteria were applied in classifying this variant: PVS1,PM2.

NM_030962.4(SBF2):c.4331_4332del (p.Lys1444fs)

Genes: SBF2 (SET binding factor 2; minus strand), SBF2-AS1 (SBF2 antisense RNA 1; plus strand). Cytogenetic location: 11p15.4.
Variant type: Deletion.
Coding change: c.4331_4332del on transcript NM_030962.4 (MANE Select); coding-DNA positions 4331 to 4332, 2 bases deleted (AA; older notation c.4331_4332delAA).
Protein change: p.Lys1444fs; shifts the reading frame from lysine 1444.
Molecular consequence: frameshift variant. On other transcripts: non-coding transcript variant (1).
Genome position (GRCh38, 1-based): chr11:9,808,111-9,808,112, TT deleted on the plus strand (AA on the coding strand, the reverse complement: SBF2 is on the minus strand); deleting any 2 consecutive bases within chr11:9,808,111-9,808,115 gives the same sequence; the c. name uses the placement nearest the transcript's 3' end. VCF-style (leftmost placement, unchanged base first): chr11-9808110-CTT-C. GRCh37 (hg19) VCF-style: chr11-9829657-CTT-C.
Other names: c.4331_4332delAA (NM_030962.3); c.4427_4428del, p.Lys1476fs (NM_001386339.1); c.4202_4203del, p.Lys1401fs (NM_001386342.1); short protein forms K1444fs, K1401fs, K1476fs.
Identifiers: ClinVar variation 930658 (VCV000930658.3), dbSNP rs1853955279, ClinGen allele CA1139661827.